The following is an entry in ClinVar:

ClinVar aggregate classification (germline): Likely pathogenic (1 of 4 stars; one submission).

Conditions:
Coffin-Siris syndrome 1 (CSS1). Also called: Mental retardation, autosomal dominant 12; ARID1B-Related Coffin-Siris Syndrome. Identifiers: Orphanet 1465, MedGen C3281201, MONDO:0007617, OMIM 135900. Disease mechanism: gain of function.

Submission:

New York Genome Center
Classification: Likely pathogenic for Coffin-Siris syndrome 1. Last evaluated: 2020-06-19. Review status: criteria provided, single submitter. Criteria: NYGC Assertion Criteria 2020. Collection method: clinical testing. Allele origin: de novo. Observed: 1 heterozygote. Study: CSER-NYCKidSeq.
Comment: The de novo c.2073dupG (p.His692AlafsTer31) variant identified in the ARID1B gene is a duplication of a single nucleotide, resulting in a frameshift of the protein at amino acid 692/2320 (exon 3/19). ARID1B has multiple isoforms, and this variant is also called c.2112dupG (p.His705AlafsTer31) annotated from transcript NM_001374820.1 (formerly NM_020732.3). The c.2073dupG (p.His692AlafsTer31) variant is present in all biologically relevant transcripts of ARID1B. This variant is absent from gnomAD (v3.0) suggesting it is not a common benign variant in the populations represented in that database, and ARID1B is highly constrained against loss of function variation (pLI=1, o/e=0.04; gnomAD (v2.1.1)). This variant is absent from ClinVar and to our current knowledge has not been reported in affected individuals in the literature. Given its presence de novo in this individual, its deleterious nature, and absence in population databases, the c.2073dupG (p.His692AlafsTer31) variant identified in the ARID1B gene is reported here as Likely Pathogenic.

NM_001374828.1(ARID1B):c.2073dup (p.His692fs)

Gene: ARID1B (AT-rich interaction domain 1B; plus strand). Cytogenetic location: 6q25.3.
Variant type: Duplication.
Coding change: c.2073dup on transcript NM_001374828.1 (MANE Select); coding-DNA position 2073, one base duplicated (G; older notation c.2073dupG).
Protein change: p.His692fs; shifts the reading frame from histidine 692.
Molecular consequence: frameshift variant.
Genome position (GRCh38, 1-based): chr6:156,901,462, G duplicated. VCF-style (leftmost placement, unchanged base first): chr6-156901461-C-CG. GRCh37 (hg19) VCF-style: chr6-157222595-C-CG.
Other names: c.2073dupG (NM_017519.3); c.2112dup, p.His705fs (NM_001371656.1, NM_001374820.1); c.2073dup, p.His692fs (NM_017519.3); short protein forms H692fs, H705fs.
Identifiers: ClinVar variation 1098582 (VCV001098582.3), dbSNP rs2128210922, ClinGen allele CA2499218151.